The following is an entry in ClinVar:

ClinVar aggregate classification (germline): Uncertain significance (0 of 4 stars; one submission).

Conditions:
PLXNA2-related disorder. Also called: PLXNA2-related condition.

gnomAD v4.1: 8 of 1,613,248 alleles (0.0005%); highest among the groups gnomAD compares: African/African-American, 0.0013%; no homozygotes.

Submission:

PreventionGenetics, part of Exact Sciences
Classification: Uncertain significance for PLXNA2-related condition. Last evaluated: 2024-03-13. Review status: no assertion criteria provided. Collection method: clinical testing. Allele origin: germline.
Comment: The PLXNA2 c.2728A>G variant is predicted to result in the amino acid substitution p.Ile910Val. To our knowledge, this variant has not been reported in the literature. This variant is reported in 0.0033% of alleles in individuals of South Asian descent in gnomAD. At this time, the clinical significance of this variant is uncertain due to the absence of conclusive functional and genetic evidence.

NM_025179.4(PLXNA2):c.2728A>G (p.Ile910Val)

Gene: PLXNA2 (plexin A2; minus strand). Cytogenetic location: 1q32.2.
Variant type: single nucleotide variant.
Coding change: c.2728A>G on transcript NM_025179.4 (MANE Select); coding-DNA position 2728, A replaced by G.
Protein change: p.Ile910Val; replaces isoleucine 910 with valine.
Molecular consequence: missense variant.
Genome position (GRCh38, 1-based): chr1:208,060,696, T>C on the plus strand (A>G on the coding strand, the complement: PLXNA2 is on the minus strand). VCF-style: chr1-208060696-T-C. GRCh37 (hg19) VCF-style: chr1-208234041-T-C.
Other names: short protein forms I910V.
Identifiers: ClinVar variation 3348149 (VCV003348149.1).